The following is an entry in ClinVar:

NM_178012.5(TUBB2B):c.32A>G (p.Gln11Arg)

Gene: TUBB2B (tubulin beta 2B class IIb; minus strand). Cytogenetic location: 6p25.2.
Variant type: single nucleotide variant.
Coding change: c.32A>G on transcript NM_178012.5 (MANE Select); coding-DNA position 32, A replaced by G.
Protein change: p.Gln11Arg; replaces glutamine 11 with arginine.
Molecular consequence: missense variant.
Genome position (GRCh38, 1-based): chr6:3,227,512, T>C on the plus strand (A>G on the coding strand, the complement: TUBB2B is on the minus strand). VCF-style: chr6-3227512-T-C. GRCh37 (hg19) VCF-style: chr6-3227746-T-C.
Other names: short protein forms Q11R.
Identifiers: ClinVar variation 1339952 (VCV001339952.5), dbSNP rs2113820411, ClinGen allele CA362590388.

ClinVar aggregate classification (germline): Likely pathogenic (1 of 4 stars; one submission).

Conditions:
TUBB2B-related disorder. Also called: TUBB2B-related condition.
Complex cortical dysplasia with other brain malformations 1. Identifiers: Orphanet 300570, MedGen C3808397, MONDO:0013541, OMIM 614039.
Complex cortical dysplasia with other brain malformations 7. Identifiers: Orphanet 300573, MedGen C3552236, MONDO:0012399, OMIM 610031.

Submission:

Blueprint Genetics
Classification: Likely pathogenic for TUBB2B-related disorders. Last evaluated: 2024-09-24. Review status: criteria provided, single submitter. Criteria: ACMG Guidelines, 2015. Collection method: clinical testing. Allele origin: de novo. Affected: yes. Observed: 1 variant allele.